The following is an entry in ClinVar:

NM_000444.6(PHEX):c.1866_1867del (p.Tyr622_Ser623delinsTer)

Genes: PHEX (phosphate regulating endopeptidase X-linked; plus strand), PTCHD1-AS (PTCHD1 and PHEX antisense RNA; minus strand). Cytogenetic location: Xp22.11.
Variant type: Microsatellite.
Coding change: c.1866_1867del on transcript NM_000444.6 (MANE Select); coding-DNA positions 1866 to 1867, 2 bases deleted (TA; older notation c.1866_1867delTA).
Protein change: p.Tyr622_Ser623delinsTer.
Molecular consequence: nonsense.
Genome position (GRCh38, 1-based): chrX:22,221,710-22,221,711, TA deleted; deleting any 2 consecutive bases within chrX:22,221,708-22,221,711 gives the same sequence; the c. name uses the placement nearest the transcript's 3' end. VCF-style (leftmost placement, unchanged base first): chrX-22221707-GTA-G. GRCh37 (hg19) VCF-style: chrX-22239824-GTA-G.
Other names: c.1866_1867del, p.Tyr622_Ser623delinsTer (NM_001282754.2).
Identifiers: ClinVar variation 5019993 (VCV005019993.1).

ClinVar aggregate classification (germline): Pathogenic (1 of 4 stars; one submission).

Conditions:
Familial X-linked hypophosphatemic vitamin D refractory rickets (XLHRD). Also called: X-Linked Hypophosphatemia; Hypophosphatemia, vitamin D-resistant rickets; Vitamin D-resistant rickets, X-linked; Hypophosphatemic Rickets, X-Linked Dominant; HYPOPHOSPHATEMIC VITAMIN D-RESISTANT RICKETS. Identifiers: Orphanet 89936, MedGen C0733682, MONDO:0010619, OMIM 307800.

Submission:

Juno Genomics, Hangzhou Juno Genomics, Inc
Classification: Pathogenic for Familial X-linked hypophosphatemic vitamin D refractory rickets. Review status: criteria provided, single submitter. Criteria: ACMG Guidelines, 2015. Collection method: clinical testing. Allele origin: germline. Affected: yes.
Comment: Absent from controls (or at extremely low frequency if recessive) in Genome Aggregation Database.;Null variant in a gene where loss of function (LOF) is a known mechanism of disease.;Patient's phenotype or family history is highly specific for a disease with a single genetic etiology.